The following is an entry in ClinVar:

ClinVar aggregate classification (germline): Conflicting classifications of pathogenicity. Review status: criteria provided, conflicting classifications (1 of 4 stars). 9 submissions from 7 submitters: Uncertain significance (6); Likely benign (3). Last evaluated 2026-05-26.

Conditions:
KIT-related disorder. Also called: KIT-related condition.
Hereditary cancer-predisposing syndrome. Also called: Hereditary neoplastic syndrome; Neoplastic Syndromes, Hereditary; Hereditary Cancer Syndrome; Tumor predisposition. Identifiers: Orphanet 140162, MedGen C0027672, MeSH D009386, MONDO:0015356.
Mastocytosis. Also called: Mast Cell Disease. Identifiers: Orphanet 98292, MedGen C0024899, MONDO:0007950, HP:0100495.
Gastrointestinal stromal tumor. Also called: Gastrointestinal stromal tumor, somatic; Gastrointestinal stroma tumor. Identifiers: Orphanet 44890, MedGen C0238198, MeSH D046152, MONDO:0011719, OMIM 606764, HP:0100723.
Piebaldism. Also called: Piebald skin depigmentation. Identifiers: Orphanet 2884, MedGen C0080024, MONDO:0008244, OMIM 172800, HP:0007544.

Allele frequency attached by ClinVar (database versions not stated): gnomAD 0.00001; TOPMed 0.00001; ExAC 0.00002; gnomAD exomes 0.00002 and 0.00003.
gnomAD v4.1: 24 of 1,614,106 alleles (0.0015%); highest among the groups gnomAD compares: Middle Eastern, 0.033%; no homozygotes.

Submissions (9):

Myriad Genetics, Inc.
Classification: Likely benign for Gastrointestinal stromal tumor. Last evaluated: 2026-05-26. Review status: criteria provided, single submitter. Criteria: Myriad Autosomal Dominant, Autosomal Recessive and X-Linked Classification Criteria (2023). Collection method: clinical testing. Allele origin: unknown.
Comment: This variant is considered likely benign. This variant has been observed at a population frequency that is significantly greater than expected given the associated disease prevalence and penetrance.

PreventionGenetics, part of Exact Sciences
Classification: Uncertain significance for KIT-related condition. Last evaluated: 2026-05-10. Review status: criteria provided, single submitter. Criteria: ACMG Guidelines, 2015. Collection method: clinical testing. Allele origin: germline.
Comment: The KIT c.301C>T variant is predicted to result in the amino acid substitution p.His101Tyr. To our knowledge, this variant has not been reported in the literature. This variant is reported in 0.0062% of alleles in individuals of European (Non-Finnish) descent in gnomAD and has conflicting interpretations in ClinVar ranging from uncertain to likely benign (Variation ID: 348954). At this time, the clinical significance of this variant is uncertain due to the absence of conclusive functional and genetic evidence.

Labcorp Genetics (formerly Invitae), Labcorp
Classification: Uncertain significance for Gastrointestinal stromal tumor. Last evaluated: 2025-12-10. Review status: criteria provided, single submitter. Criteria: Invitae Variant Classification Sherloc (09022015). Collection method: clinical testing. Allele origin: germline.
Comment: This sequence change replaces histidine, which is basic and polar, with tyrosine, which is neutral and polar, at codon 101 of the KIT protein (p.His101Tyr). This variant is present in population databases (rs781130745, gnomAD 0.005%). This variant has not been reported in the literature in individuals affected with KIT-related conditions. ClinVar contains an entry for this variant (Variation ID: 348954). An algorithm developed to predict the effect of missense changes on protein structure and function (PolyPhen-2) suggests that this variant is likely to be tolerated. In summary, the available evidence is currently insufficient to determine the role of this variant in disease. Therefore, it has been classified as a Variant of Uncertain Significance.

Blueprint Genetics
Classification: Likely benign. Last evaluated: 2024-09-20. Review status: criteria provided, single submitter. Criteria: ACMG Guidelines, 2015. Collection method: clinical testing. Allele origin: germline.

Baylor Genetics
Classification: Uncertain significance for Gastrointestinal stromal tumor. Last evaluated: 2024-02-12. Review status: criteria provided, single submitter. Criteria: ACMG Guidelines, 2015. Collection method: clinical testing. Allele origin: unknown.

Ambry Genetics
Classification: Likely benign for Hereditary cancer-predisposing syndrome. Last evaluated: 2019-11-27. Review status: criteria provided, single submitter. Criteria: Ambry Variant Classification Scheme 2023. Collection method: clinical testing. Allele origin: germline.

Illumina Laboratory Services, Illumina
Classification: Uncertain significance for Gastrointestinal stromal tumor. Last evaluated: 2018-01-12. Review status: criteria provided, single submitter. Criteria: ICSL Variant Classification Criteria 13 December 2019. Collection method: clinical testing. Allele origin: germline.

Illumina Laboratory Services, Illumina
Classification: Uncertain significance for Cutaneous mastocytosis. Last evaluated: 2018-01-12. Review status: criteria provided, single submitter. Criteria: ICSL Variant Classification Criteria 13 December 2019. Collection method: clinical testing. Allele origin: germline.

Illumina Laboratory Services, Illumina
Classification: Uncertain significance for Piebaldism. Last evaluated: 2018-01-12. Review status: criteria provided, single submitter. Criteria: ICSL Variant Classification Criteria 13 December 2019. Collection method: clinical testing. Allele origin: germline.

NM_000222.3(KIT):c.301C>T (p.His101Tyr)

Gene: KIT (KIT proto-oncogene, receptor tyrosine kinase; plus strand). Cytogenetic location: 4q12.
Variant type: single nucleotide variant.
Coding change: c.301C>T on transcript NM_000222.3 (MANE Select); coding-DNA position 301, C replaced by T.
Protein change: p.His101Tyr; replaces histidine 101 with tyrosine.
Molecular consequence: missense variant.
Genome position (GRCh38, 1-based): chr4:54,695,745, C>T. VCF-style: chr4-54695745-C-T. GRCh37 (hg19) VCF-style: chr4-55561911-C-T.
Other names: c.301C>T, p.His101Tyr (NM_001093772.2, NM_001385284.1, NM_001385285.1 and 4 more transcripts); short protein forms H101Y.
Identifiers: ClinVar variation 348954 (VCV000348954.19), dbSNP rs781130745, ClinGen allele CA2923199.
Genomic context (GRCh38, chr4:54,695,745, plus strand): 5'-GAATGGATCACGGAAAAGGCAGAAGCCACCAACACCGGCAAATACACGTGCACCAACAAA[C>T]ACGGCTTAAGCAATTCCATTTATGTGTTTGTTAGAGGTAAATGCTTGGCTTTCTGCAGTG-3'
Protein context (NP_000213.1, residues 91-111): NTGKYTCTNK[His101Tyr]GLSNSIYVFV